The following is an entry in ClinVar:

ClinVar aggregate classification (germline): Benign/Likely benign. Review status: criteria provided, multiple submitters, no conflicts (2 of 4 stars). 10 submissions from 10 submitters: Benign (5); Likely benign (2). 3 of the submissions do not count toward it. Last evaluated 2025-02-16.

Conditions:
Primary ciliary dyskinesia. Also called: Ciliary dyskinesia. Identifiers: Orphanet 244, MedGen C0008780, MONDO:0016575, HP:0012265.

Submissions (10):

Laboratory of Genetics, Children's Clinical University Hospital Latvia
Classification: Benign. Last evaluated: 2025-02-16. Review status: criteria provided, single submitter. Criteria: ACMG Guidelines, 2015. Collection method: clinical testing. Allele origin: germline. Affected: yes.

Blueprint Genetics
Classification: Likely benign. Last evaluated: 2024-11-26. Review status: criteria provided, single submitter. Criteria: ACMG Guidelines, 2015. Collection method: clinical testing. Allele origin: germline.

Labcorp Genetics (formerly Invitae), Labcorp
Classification: Benign for Primary ciliary dyskinesia. Last evaluated: 2022-11-22. Review status: criteria provided, single submitter. Criteria: Invitae Variant Classification Sherloc (09022015). Collection method: clinical testing. Allele origin: germline.

Mayo Clinic Laboratories, Mayo Clinic
Classification: Benign. Last evaluated: 2022-04-26. Review status: criteria provided, single submitter. Criteria: ACMG Guidelines, 2015. Collection method: clinical testing. Allele origin: germline. Observed: 82 variant alleles.

GeneDx
Classification: Benign. Last evaluated: 2019-08-24. Review status: criteria provided, single submitter. Criteria: GeneDx Variant Classification Process June 2021. Collection method: clinical testing. Allele origin: germline. Affected: yes.

Laboratory for Molecular Medicine, Mass General Brigham Personalized Medicine
Classification: Benign. Last evaluated: 2016-03-28. Review status: criteria provided, single submitter. Criteria: LMM Criteria. Collection method: clinical testing. Allele origin: germline.
Comment: Variant identified in a genome or exome case(s) and assessed due to predicted null impact of the variant or pathogenic assertions in the literature or databases. Disclaimer: This variant has not undergone full assessment. The following are preliminary notes: Frequency

Ambry Genetics
Classification: Likely benign for Primary ciliary dyskinesia. Last evaluated: 2015-08-03. Review status: criteria provided, single submitter. Criteria: Ambry Variant Classification Scheme 2023. Collection method: clinical testing. Allele origin: germline.

Natera, Inc.
Classification: Benign for Primary ciliary dyskinesia. Last evaluated: 2020-09-16. Review status: no assertion criteria provided. Collection method: clinical testing. Allele origin: germline. Not counted in ClinVar's aggregate classification.

Genome Diagnostics Laboratory, University Medical Center Utrecht
Classification: Likely benign. Review status: no assertion criteria provided. Collection method: clinical testing. Allele origin: germline. Affected: yes. Study: VKGL Data-share Consensus. Not counted in ClinVar's aggregate classification.

Laboratory of Diagnostic Genome Analysis, Leiden University Medical Center (LUMC)
Classification: Likely benign. Review status: no assertion criteria provided. Collection method: clinical testing. Allele origin: germline. Affected: yes. Study: VKGL Data-share Consensus. Not counted in ClinVar's aggregate classification.

NM_001369.3(DNAH5):c.2578-9_2578-7del

Genes: DNAH5 (dynein axonemal heavy chain 5; minus strand), DNAH5-AS1 (DNAH5 antisense RNA 1; plus strand). Cytogenetic location: 5p15.2.
Variant type: Deletion.
Coding change: c.2578-9_2578-7del on transcript NM_001369.3 (MANE Select); 9 bases into the intron before coding-DNA position 2578 through 7 bases into the intron before coding-DNA position 2578, 3 bases deleted (TTT; older notation c.2578-9_2578-7delTTT).
Molecular consequence: intron variant.
Genome position (GRCh38, 1-based): chr5:13,886,136-13,886,138, AAA deleted on the plus strand (TTT on the coding strand, the reverse complement: DNAH5 is on the minus strand); deleting any 3 consecutive bases within chr5:13,886,136-13,886,154 gives the same sequence; the c. name uses the placement nearest the transcript's 3' end. VCF-style (leftmost placement, unchanged base first): chr5-13886135-CAAA-C. GRCh37 (hg19) VCF-style: chr5-13886244-CAAA-C.
Other names: p.?; c.2578-9_2578-7delTTT (NM_001369.2); c.2578-9_2578-7del (NM_001369.2).
Identifiers: ClinVar variation 351200 (VCV000351200.21), dbSNP rs71600031, ClinGen allele CA3204532.